The following is an entry in ClinVar:

ClinVar aggregate classification (germline): Likely benign. Review status: criteria provided, multiple submitters, no conflicts (2 of 4 stars). 6 submissions from 6 submitters: Likely benign (6). Last evaluated 2025-06-01.

Conditions:
Hypertrophic cardiomyopathy 26. Also called: Cardiomyopathy, familial hypertrophic, 26. Identifiers: Orphanet 75249, MedGen C4310749, MONDO:0014883, OMIM 617047.
Distal myopathy with posterior leg and anterior hand involvement. Also called: WILLIAMS DISTAL MYOPATHY. Identifiers: Orphanet 63273, MedGen C3279722, MONDO:0013550, OMIM 614065.
Myofibrillar myopathy 5. Also called: FILAMINOPATHY, AUTOSOMAL DOMINANT; Filaminopathy (type). Identifiers: Orphanet 171445, MedGen C1836050, MONDO:0012289, OMIM 609524.
Cardiomyopathy (CMYO). Also called: Cardiomyopathies. Identifiers: Orphanet 167848, MedGen C0878544, MONDO:0004994, HP:0001638. Inheritance: Various modes of inheritance.
Cardiovascular phenotype. Identifiers: MedGen CN230736.

Allele frequency attached by ClinVar (database versions not stated): gnomAD 0.00001; gnomAD exomes 0.00002 and 0.00003; TOPMed 0.00003; ExAC 0.00005.
gnomAD v4.1: 29 of 1,598,736 alleles (0.0018%); highest among the groups gnomAD compares: East Asian, 0.0045%; no homozygotes.

Submissions (6):

CeGaT Center for Human Genetics Tuebingen
Classification: Likely benign. Last evaluated: 2025-06-01. Review status: criteria provided, single submitter. Criteria: CeGaT Center For Human Genetics Tuebingen Variant Classification Criteria Version 2. Collection method: clinical testing. Allele origin: germline. Affected: yes. Observed: 1 variant allele.
Comment: FLNC: BP4, BP7

Labcorp Genetics (formerly Invitae), Labcorp
Classification: Likely benign for Distal myopathy with posterior leg and anterior hand involvement; Myofibrillar myopathy 5; Hypertrophic cardiomyopathy 26. Last evaluated: 2024-11-16. Review status: criteria provided, single submitter. Criteria: Invitae Variant Classification Sherloc (09022015). Collection method: clinical testing. Allele origin: germline.

Blueprint Genetics
Classification: Likely benign. Last evaluated: 2024-05-22. Review status: criteria provided, single submitter. Criteria: ACMG Guidelines, 2015. Collection method: clinical testing. Allele origin: germline.

CHEO Genetics Diagnostic Laboratory, Children's Hospital of Eastern Ontario
Classification: Likely benign for Cardiomyopathy. Last evaluated: 2023-05-16. Review status: criteria provided, single submitter. Criteria: ACMG Guidelines, 2015. Collection method: clinical testing. Allele origin: germline.

Ambry Genetics
Classification: Likely benign for Cardiovascular phenotype. Last evaluated: 2019-07-08. Review status: criteria provided, single submitter. Criteria: Ambry Variant Classification Scheme 2023. Collection method: clinical testing. Allele origin: germline.

GeneDx
Classification: Likely benign. Last evaluated: 2016-03-09. Review status: criteria provided, single submitter. Criteria: GeneDx Variant Classification (06012015). Collection method: clinical testing. Allele origin: germline. Affected: yes.
Comment: This variant is considered likely benign or benign based on one or more of the following criteria: it is a conservative change, it occurs at a poorly conserved position in the protein, it is predicted to be benign by multiple in silico algorithms, and/or has population frequency not consistent with disease.

NM_001458.5(FLNC):c.1797C>T (p.Thr599=)

Gene: FLNC (filamin C; plus strand). Cytogenetic location: 7q32.1.
Variant type: single nucleotide variant.
Coding change: c.1797C>T on transcript NM_001458.5 (MANE Select); coding-DNA position 1797, C replaced by T.
Protein change: p.Thr599=; no amino-acid change (threonine 599 retained).
Molecular consequence: synonymous variant.
Genome position (GRCh38, 1-based): chr7:128,840,954, C>T. VCF-style: chr7-128840954-C-T. GRCh37 (hg19) VCF-style: chr7-128481008-C-T.
Other names: c.1797C>T, p.Thr599= (NM_001127487.2).
Identifiers: ClinVar variation 384275 (VCV000384275.26), dbSNP rs773793586, ClinGen allele CA4474475.